The following is an entry in ClinVar:

NM_002907.4(RECQL):c.1831G>A (p.Gly611Ser)

Genes: PYROXD1 (pyridine nucleotide-disulphide oxidoreductase domain 1; plus strand), RECQL (RecQ like helicase; minus strand). Cytogenetic location: 12p12.1.
Variant type: single nucleotide variant.
Coding change: c.1831G>A on transcript NM_002907.4 (MANE Select); coding-DNA position 1831, G replaced by A.
Protein change: p.Gly611Ser; replaces glycine 611 with serine.
Molecular consequence: missense variant. On other transcripts: 3 prime UTR variant (3).
Genome position (GRCh38, 1-based): chr12:21,470,313, C>T on the plus strand (G>A on the coding strand, the complement: RECQL is on the minus strand). VCF-style: chr12-21470313-C-T. GRCh37 (hg19) VCF-style: chr12-21623247-C-T.
Other names: c.1831G>A, p.Gly611Ser (NM_032941.3); c.*1559C>T (NM_001350912.2, NM_001350913.2, NM_024854.5); short protein forms G611S.
Identifiers: ClinVar variation 1045074 (VCV001045074.7), dbSNP rs541752188, ClinGen allele CA384113953.

ClinVar aggregate classification (germline): Uncertain significance (1 of 4 stars; one submission).

Submission:

Labcorp Genetics (formerly Invitae), Labcorp
Classification: Uncertain significance. Last evaluated: 2025-10-01. Review status: criteria provided, single submitter. Criteria: Invitae Variant Classification Sherloc (09022015). Collection method: clinical testing. Allele origin: germline.
Comment: This sequence change replaces glycine, which is neutral and non-polar, with serine, which is neutral and polar, at codon 611 of the RECQL protein (p.Gly611Ser). This variant is not present in population databases (gnomAD no frequency). This variant has not been reported in the literature in individuals affected with RECQL-related conditions. ClinVar contains an entry for this variant (Variation ID: 1045074). An algorithm developed to predict the effect of missense changes on protein structure and function outputs the following: PolyPhen-2: "Benign". The serine amino acid residue is found in multiple mammalian species, which suggests that this missense change does not adversely affect protein function. In summary, the available evidence is currently insufficient to determine the role of this variant in disease. Therefore, it has been classified as a Variant of Uncertain Significance.